The following is an entry in ClinVar:

ClinVar aggregate classification (germline): Uncertain significance (1 of 4 stars; one submission).

Conditions:
Congenital multicore myopathy with external ophthalmoplegia (CMYO1B). Also called: Congenital myopathy 1B, autosomal recessive; Minicore myopathy; MULTICORE MYOPATHY; Minicore myopathy with external ophthalmoplegia; MULTIMINICORE DISEASE WITH EXTERNAL OPHTHALMOPLEGIA. Identifiers: Orphanet 598, Orphanet 98905, MedGen C1850674, MONDO:0009712, OMIM 255320, HP:0003789.

Submission:

3billion
Classification: Uncertain significance for Congenital multicore myopathy with external ophthalmoplegia. Last evaluated: 2024-06-11. Review status: criteria provided, single submitter. Criteria: ACMG Guidelines, 2015. Collection method: clinical testing. Allele origin: germline. Affected: yes.
Comment: The variant is not observed in the gnomAD v4.0.0 dataset. Predicted Consequence/Location: Missense variant In silico tool predictions suggest damaging effect of the variant on gene or gene product [REVEL: 0.83 (>=0.6, sensitivity 0.68 and specificity 0.92)]. Therefore, this variant is classified as VUS according to the recommendation of ACMG/AMP guideline.

NM_000540.3(RYR1):c.3476T>A (p.Ile1159Asn)

Gene: RYR1 (ryanodine receptor 1; plus strand). Cytogenetic location: 19q13.2.
Variant type: single nucleotide variant.
Coding change: c.3476T>A on transcript NM_000540.3 (MANE Select); coding-DNA position 3476, T replaced by A.
Protein change: p.Ile1159Asn; replaces isoleucine 1159 with asparagine.
Molecular consequence: missense variant.
Genome position (GRCh38, 1-based): chr19:38,469,060, T>A. VCF-style: chr19-38469060-T-A. GRCh37 (hg19) VCF-style: chr19-38959700-T-A.
Other names: c.3476T>A, p.Ile1159Asn (NM_001042723.2); short protein forms I1159N.
Identifiers: ClinVar variation 4292658 (VCV004292658.1).
Genomic context (GRCh38, chr19:38,469,060, plus strand): 5'-GGCGCCCCTGGCAGCCGGGCGATGTCGTTGGCTGTATGATCGACCTCACAGAGAACACCA[T>A]TATCTTCACCCTCAATGGCGAGGTCCTCATGTCTGACTCAGGCTCCGAAACAGCCTTCCG-3'
Protein context (NP_000531.2, residues 1149-1169): GCMIDLTENT[Ile1159Asn]IFTLNGEVLM